The following is an entry in ClinVar:

NM_024675.4(PALB2):c.1807C>A (p.Leu603Ile)

Gene: PALB2 (partner and localizer of BRCA2; minus strand). Cytogenetic location: 16p12.2.
Variant type: single nucleotide variant.
Coding change: c.1807C>A on transcript NM_024675.4 (MANE Select); coding-DNA position 1807, C replaced by A.
Protein change: p.Leu603Ile; replaces leucine 603 with isoleucine.
Molecular consequence: missense variant.
Genome position (GRCh38, 1-based): chr16:23,630,347, G>T on the plus strand (C>A on the coding strand, the complement: PALB2 is on the minus strand). VCF-style: chr16-23630347-G-T. GRCh37 (hg19) VCF-style: chr16-23641668-G-T.
Other names: c.1747C>A, p.Leu583Ile (NM_001407296.1); c.1807C>A, p.Leu603Ile (NM_001407297.1, NM_001407298.1, NM_001407299.1 and 3 more transcripts); c.922C>A, p.Leu308Ile (NM_001407304.1, NM_001407305.1, NM_001407306.1 and 5 more transcripts); c.19C>A, p.Leu7Ile (NM_001407312.1, NM_001407313.1); short protein forms L308I, L583I, L603I, L7I.
Identifiers: ClinVar variation 1715787 (VCV001715787.5), dbSNP rs2142388797, ClinGen allele CA395128017.

ClinVar aggregate classification (germline): Uncertain significance (1 of 4 stars; one submission).

Conditions:
Familial cancer of breast. Also called: Hereditary breast cancer; BREAST CANCER, FAMILIAL; hereditary breast carcinoma. Identifiers: Orphanet 227535, MedGen C0346153, MONDO:0016419, OMIM 114480. Disease mechanism: loss of function.

Submission:

Labcorp Genetics (formerly Invitae), Labcorp
Classification: Uncertain significance for Familial cancer of breast. Last evaluated: 2025-10-13. Review status: criteria provided, single submitter. Criteria: Invitae Variant Classification Sherloc (09022015). Collection method: clinical testing. Allele origin: germline.
Comment: This sequence change replaces leucine, which is neutral and non-polar, with isoleucine, which is neutral and non-polar, at codon 603 of the PALB2 protein (p.Leu603Ile). This variant is not present in population databases (gnomAD no frequency). This variant has not been reported in the literature in individuals affected with PALB2-related conditions. ClinVar contains an entry for this variant (Variation ID: 1715787). Invitae Evidence Modeling of protein sequence and biophysical properties (such as structural, functional, and spatial information, amino acid conservation, physicochemical variation, residue mobility, and thermodynamic stability) indicates that this missense variant is expected to disrupt PALB2 protein function with a positive predictive value of 80%. In summary, the available evidence is currently insufficient to determine the role of this variant in disease. Therefore, it has been classified as a Variant of Uncertain Significance.